The following is an entry in ClinVar:

ClinVar aggregate classification (germline): Uncertain significance (1 of 4 stars; one submission).

Conditions:
Long QT syndrome (LQTS). Identifiers: MedGen C0023976, MeSH D008133, MONDO:0002442. Disease mechanism: loss of function. Inheritance: Various modes of inheritance.

Submission:

Labcorp Genetics (formerly Invitae), Labcorp
Classification: Uncertain significance for Long QT syndrome. Last evaluated: 2021-10-06. Review status: criteria provided, single submitter. Criteria: Invitae Variant Classification Sherloc (09022015). Collection method: clinical testing. Allele origin: germline.
Comment: In summary, the available evidence is currently insufficient to determine the role of this variant in disease. Therefore, it has been classified as a Variant of Uncertain Significance. Algorithms developed to predict the effect of missense changes on protein structure and function are either unavailable or do not agree on the potential impact of this missense change (SIFT: "Not Available"; PolyPhen-2: "Possibly Damaging"; Align-GVGD: "Not Available"). ClinVar contains an entry for this variant (Variation ID: 1020240). This variant has not been reported in the literature in individuals affected with KCNQ1-related conditions. The frequency data for this variant in the population databases is not available, as this variant may be reported as separate entries in the ExAC database. This sequence change replaces valine with glutamic acid at codon 110 of the KCNQ1 protein (p.Val110Glu). The valine residue is highly conserved and there is a moderate physicochemical difference between valine and glutamic acid.

NM_000218.3(KCNQ1):c.329_330delinsAG (p.Val110Glu)

Gene: KCNQ1 (potassium voltage-gated channel subfamily Q member 1; plus strand). Cytogenetic location: 11p15.5.
Variant type: Indel.
Coding change: c.329_330delinsAG on transcript NM_000218.3 (MANE Select); coding-DNA positions 329 to 330, TC replaced by AG.
Protein change: p.Val110Glu; replaces valine 110 with glutamic acid.
Molecular consequence: missense variant.
Genome position (GRCh38, 1-based): chr11:2,445,427-2,445,428, TC replaced by AG. VCF-style: chr11-2445427-TC-AG. GRCh37 (hg19) VCF-style: chr11-2466657-TC-AG.
Other names: short protein forms V110E.
Identifiers: ClinVar variation 1020240 (VCV001020240.7), dbSNP rs1846023075, ClinGen allele CA1948161016.
Genomic context (GRCh38, chr11:2,445,427, plus strand): 5'-GCGTCTCCATCTACAGCACGCGCCGCCCGGTGTTGGCGCGCACCCACGTCCAGGGCCGCG[TC>AG]TACAACTTCCTCGAGCGTCCCACCGGCTGGAAATGCTTCGTTTACCACTTCGCCGTGTGA-3'
Protein context (NP_000209.2, residues 100-120): VLARTHVQGR[Val110Glu]YNFLERPTGW